The following is an entry in ClinVar:

ClinVar aggregate classification (germline): Uncertain significance (1 of 4 stars; one submission).

Conditions:
Familial cancer of breast. Also called: hereditary breast carcinoma; BREAST CANCER, FAMILIAL; Hereditary breast cancer. Identifiers: Orphanet 227535, MedGen C0346153, MONDO:0016419, OMIM 114480. Disease mechanism: loss of function.

Submission:

Labcorp Genetics (formerly Invitae), Labcorp
Classification: Uncertain significance for Familial cancer of breast. Last evaluated: 2018-07-31. Review status: criteria provided, single submitter. Criteria: Invitae Variant Classification Sherloc (09022015). Collection method: clinical testing. Allele origin: germline.
Comment: This variant has not been reported in the literature in individuals with PALB2-related disease. In summary, the available evidence is currently insufficient to determine the role of this variant in disease. Therefore, it has been classified as a Variant of Uncertain Significance. Nucleotide substitutions within the consensus splice site are a relatively common cause of aberrant splicing (PMID: 17576681, 9536098). Algorithms developed to predict the effect of sequence changes on RNA splicing suggest that this variant may disrupt the consensus splice site, but this prediction has not been confirmed by published transcriptional studies. Algorithms developed to predict the effect of missense changes on protein structure and function are either unavailable or do not agree on the potential impact of this missense change (SIFT: "Tolerated"; PolyPhen-2: "Possibly Damaging"; Align-GVGD: "Class C0"). This variant is not present in population databases (ExAC no frequency). This sequence change replaces glycine with alanine at codon 999 of the PALB2 protein (p.Gly999Ala). The glycine residue is weakly conserved and there is a small physicochemical difference between glycine and alanine. This variant also falls at the last nucleotide of exon 9 of the PALB2 coding sequence, which is part of the consensus splice site for this exon.

Literature cited by the submitters: PubMed 17576681; PubMed 9536098.

NM_024675.4(PALB2):c.2996G>C (p.Gly999Ala)

Gene: PALB2 (partner and localizer of BRCA2; minus strand). Cytogenetic location: 16p12.2.
Variant type: single nucleotide variant.
Coding change: c.2996G>C on transcript NM_024675.4 (MANE Select); coding-DNA position 2996, G replaced by C.
Protein change: p.Gly999Ala; replaces glycine 999 with alanine.
Molecular consequence: missense variant.
Genome position (GRCh38, 1-based): chr16:23,622,969, C>G on the plus strand (G>C on the coding strand, the complement: PALB2 is on the minus strand). VCF-style: chr16-23622969-C-G. GRCh37 (hg19) VCF-style: chr16-23634290-C-G.
Other names: short protein forms G999A.
Identifiers: ClinVar variation 642929 (VCV000642929.9), dbSNP rs1597081049, ClinGen allele CA395143830.
Genomic context (GRCh38, chr16:23,622,969, plus strand): 5'-AAACCTGTGATAAAATCATTCTTCATCTAATAGTTAAAAATCAATCAATGCTTTTCTTAC[C>G]CTCCATCTTCTGCAAACGTCATGACTTCTACTTGTTGATCAGAAAGGGTCCCACTGCTAC-3'
Protein context (NP_078951.2, residues 989-1009): VEVMTFAEDG[Gly999Ala]GKENQFLMPP